The following is an entry in ClinVar:

NM_023110.3(FGFR1):c.359-13C>G

Gene: FGFR1 (fibroblast growth factor receptor 1; minus strand). Cytogenetic location: 8p11.23.
Variant type: single nucleotide variant.
Coding change: c.359-13C>G on transcript NM_023110.3 (MANE Select); 13 bases into the intron before coding-DNA position 359, C replaced by G.
Molecular consequence: intron variant.
Genome position (GRCh38, 1-based): chr8:38,428,448, G>C on the plus strand (C>G on the coding strand, the complement: FGFR1 is on the minus strand). VCF-style: chr8-38428448-G-C. GRCh37 (hg19) VCF-style: chr8-38285966-G-C.
Other names: c.92-13C>G (NM_001354368.2, NM_001354370.2, NM_023106.3 and 2 more transcripts); c.359-13C>G (NM_001354367.2, NM_015850.4, NM_001174063.2 and 2 more transcripts); c.335-13C>G (NM_001174064.2); c.458-13C>G (NM_001174067.2).
Identifiers: ClinVar variation 362908 (VCV000362908.15), dbSNP rs376369060, ClinGen allele CA4718774.

ClinVar aggregate classification (germline): Benign/Likely benign. Review status: criteria provided, multiple submitters, no conflicts (2 of 4 stars). 8 submissions from 5 submitters: Benign (4); Likely benign (4). Last evaluated 2025-11-18.

Conditions:
Hypogonadotropic hypogonadism 2 with or without anosmia (HH2). Also called: HYPOGONADOTROPIC HYPOGONADISM 2 WITHOUT ANOSMIA; HYPOGONADOTROPIC HYPOGONADISM 2 WITH OR WITHOUT ANOSMIA, SUSCEPTIBILITY TO; HYPOGONADOTROPIC HYPOGONADISM 2 WITHOUT ANOSMIA, SUSCEPTIBILITY TO; FGFR1-Related GnRH Deficiency (Kallmann Syndrome 2). Identifiers: Orphanet 478, MedGen C1563720, MONDO:0007844, OMIM 147950. Disease mechanism: loss of function.
Pfeiffer syndrome (ACS5). Also called: ACS V. Identifiers: Orphanet 710, MedGen C0220658, MONDO:0007043, OMIM 101600.
Trigonocephaly 1 (TRIGNO1). Identifiers: Orphanet 3366, MedGen C0432122, MONDO:0008603, OMIM 190440.
Hartsfield-Bixler-Demyer syndrome (HRTFDS). Also called: Holoprosencephaly, ectrodactyly, and bilateral cleft lip/palate; Hartsfield syndrome; FGFR1-Related Hartsfield Syndrome. Identifiers: Orphanet 2117, MedGen C1845146, MONDO:0014196, OMIM 615465. Disease mechanism: loss of function.
Osteoglophonic dysplasia (OGD). Also called: Osteoglophonic dwarfism. Identifiers: Orphanet 2645, MedGen C0432283, MONDO:0008150, OMIM 166250.
Encephalocraniocutaneous lipomatosis (ECCL). Identifiers: Orphanet 2396, MedGen C0406612, MONDO:0013074, OMIM 613001.
Jackson-Weiss syndrome (JWS). Also called: CRANIOSYNOSTOSIS, MIDFACIAL HYPOPLASIA, AND FOOT ABNORMALITIES. Identifiers: Orphanet 1540, MedGen C0795998, MONDO:0007400, OMIM 123150. Disease mechanism: loss of function.
Craniosynostosis syndrome. Also called: Craniosynostosis. Identifiers: Orphanet 1531, MedGen C0010278, MeSH D003398, MONDO:0015469, HP:0001363.

Allele frequency attached by ClinVar (database versions not stated): gnomAD 0.00007; ESP Exome Variant Server 0.00008; TOPMed 0.00010; ExAC 0.00014.
gnomAD v4.1: 86 of 1,604,902 alleles (0.0054%); highest among the groups gnomAD compares: Middle Eastern, 0.077%; 1 homozygote.

Submissions (8):

Labcorp Genetics (formerly Invitae), Labcorp
Classification: Benign for Pfeiffer syndrome; Hypogonadotropic hypogonadism 2 with or without anosmia. Last evaluated: 2025-11-18. Review status: criteria provided, single submitter. Criteria: Invitae Variant Classification Sherloc (09022015). Collection method: clinical testing. Allele origin: germline.

Blueprint Genetics
Classification: Likely benign. Last evaluated: 2024-09-13. Review status: criteria provided, single submitter. Criteria: ACMG Guidelines, 2015. Collection method: clinical testing. Allele origin: germline.

Fulgent Genetics
Classification: Likely benign for Pfeiffer syndrome; Jackson-Weiss syndrome; Hypogonadotropic hypogonadism 2 with or without anosmia; Osteoglophonic dysplasia; Trigonocephaly 1; Encephalocraniocutaneous lipomatosis; Hartsfield-Bixler-Demyer syndrome. Last evaluated: 2021-11-03. Review status: criteria provided, single submitter. Criteria: ACMG Guidelines, 2015. Collection method: clinical testing. Allele origin: unknown.

GeneDx
Classification: Likely benign. Last evaluated: 2019-11-25. Review status: criteria provided, single submitter. Criteria: GeneDx Variant Classification Process June 2021. Collection method: clinical testing. Allele origin: germline. Affected: yes.

Illumina Laboratory Services, Illumina
Classification: Benign for Trigonocephaly 1. Last evaluated: 2018-01-12. Review status: criteria provided, single submitter. Criteria: ICSL Variant Classification Criteria 13 December 2019. Collection method: clinical testing. Allele origin: germline.
Comment: This variant was observed in the ICSL laboratory as part of a predisposition screen in an ostensibly healthy population. It had not been previously curated by ICSL or reported in the Human Gene Mutation Database (HGMD: prior to June 1st, 2018), and was therefore a candidate for classification through an automated scoring system. Utilizing variant allele frequency, disease prevalence and penetrance estimates, and inheritance mode, an automated score was calculated to assess if this variant is too frequent to cause the disease. Based on the score and internal cut-off values, a variant classified as benign is not then subjected to further curation. The score for this variant resulted in a classification of benign for this disease.

Illumina Laboratory Services, Illumina
Classification: Likely benign for Hypogonadotropic hypogonadism 2 with or without anosmia. Last evaluated: 2018-01-12. Review status: criteria provided, single submitter. Criteria: ICSL Variant Classification Criteria 13 December 2019. Collection method: clinical testing. Allele origin: germline.
Comment: This variant was observed in the ICSL laboratory as part of a predisposition screen in an ostensibly healthy population. It had not been previously curated by ICSL or reported in the Human Gene Mutation Database (HGMD: prior to June 1st, 2018), and was therefore a candidate for classification through an automated scoring system. Utilizing variant allele frequency, disease prevalence and penetrance estimates, and inheritance mode, an automated score was calculated to assess if this variant is too frequent to cause the disease. Based on the score and internal cut-off values, a variant classified as likely benign is not then subjected to further curation. The score for this variant resulted in a classification of likely benign for this disease.

Illumina Laboratory Services, Illumina
Classification: Benign for Osteoglophonic dysplasia. Last evaluated: 2018-01-12. Review status: criteria provided, single submitter. Criteria: ICSL Variant Classification Criteria 13 December 2019. Collection method: clinical testing. Allele origin: germline.
Comment: the same text as in the submission from Illumina Laboratory Services, Illumina above.

Illumina Laboratory Services, Illumina
Classification: Benign for Craniosynostosis. Last evaluated: 2018-01-12. Review status: criteria provided, single submitter. Criteria: ICSL Variant Classification Criteria 13 December 2019. Collection method: clinical testing. Allele origin: germline.
Comment: the same text as in the submission from Illumina Laboratory Services, Illumina above.